The following is an entry in ClinVar:

ClinVar aggregate classification (germline): Uncertain significance. Review status: criteria provided, multiple submitters, no conflicts (2 of 4 stars). 2 submissions from 2 submitters: Uncertain significance (2). Last evaluated 2025-09-28.

Conditions:
Cardiovascular phenotype. Identifiers: MedGen CN230736.
Lethal congenital glycogen storage disease of heart. Also called: GLYCOGEN STORAGE DISEASE OF HEART; PHOSPHORYLASE KINASE DEFICIENCY OF HEART. Identifiers: Orphanet 439854, MedGen C1849813, MONDO:0009867, OMIM 261740.

Submissions (2):

Ambry Genetics
Classification: Uncertain significance for Cardiovascular phenotype. Last evaluated: 2025-09-28. Review status: criteria provided, single submitter. Criteria: Ambry Variant Classification Scheme 2023. Collection method: clinical testing. Allele origin: germline.
Comment: The p.M121L variant (also known as c.361A>C), located in coding exon 3 of the PRKAG2 gene, results from an A to C substitution at nucleotide position 361. The methionine at codon 121 is replaced by leucine, an amino acid with highly similar properties. This amino acid position is conserved. In addition, this alteration is predicted to be tolerated by in silico analysis. Based on the available evidence, the clinical significance of this variant remains unclear.

Labcorp Genetics (formerly Invitae), Labcorp
Classification: Uncertain significance for Lethal congenital glycogen storage disease of heart. Last evaluated: 2024-04-07. Review status: criteria provided, single submitter. Criteria: Invitae Variant Classification Sherloc (09022015). Collection method: clinical testing. Allele origin: germline.
Comment: This sequence change replaces methionine, which is neutral and non-polar, with leucine, which is neutral and non-polar, at codon 121 of the PRKAG2 protein (p.Met121Leu). This variant is present in population databases (rs760511236, gnomAD 0.003%). This variant has not been reported in the literature in individuals affected with PRKAG2-related conditions. Advanced modeling of protein sequence and biophysical properties (such as structural, functional, and spatial information, amino acid conservation, physicochemical variation, residue mobility, and thermodynamic stability) performed at Invitae indicates that this missense variant is not expected to disrupt PRKAG2 protein function with a negative predictive value of 95%. In summary, the available evidence is currently insufficient to determine the role of this variant in disease. Therefore, it has been classified as a Variant of Uncertain Significance.

NM_016203.4(PRKAG2):c.361A>C (p.Met121Leu)

Gene: PRKAG2 (protein kinase AMP-activated non-catalytic subunit gamma 2; minus strand). Cytogenetic location: 7q36.1.
Variant type: single nucleotide variant.
Coding change: c.361A>C on transcript NM_016203.4 (MANE Select); coding-DNA position 361, A replaced by C.
Protein change: p.Met121Leu; replaces methionine 121 with leucine.
Molecular consequence: missense variant. On other transcripts: intron variant (1).
Genome position (GRCh38, 1-based): chr7:151,781,257, T>G on the plus strand (A>C on the coding strand, the complement: PRKAG2 is on the minus strand). VCF-style: chr7-151781257-T-G. GRCh37 (hg19) VCF-style: chr7-151478343-T-G.
Other names: c.229A>C, p.Met77Leu (NM_001040633.2, NM_001407024.1, NM_001407026.1 and 2 more transcripts); c.361A>C, p.Met121Leu (NM_001407021.1, NM_001407022.1, NM_001407023.1 and 2 more transcripts); c.148+33159A>C (NM_001407032.1); c.361A>C (NM_016203.3); short protein forms M77L, M121L.
Identifiers: ClinVar variation 3672237 (VCV003672237.4).
Genomic context (GRCh38, chr7:151,781,257, plus strand): 5'-CAGGGTTGGAGTTGGGGGAAGACTCTTTGGAGGAGGAGCGGAAGATCCCACTGAAGCTCA[T>G]GCGTCGAGGGGAGCGTGGCGGGGACTCCTGGTAGGAGAACGGGAACACGGTTTTGGGAGA-3'
Protein context (NP_057287.2, residues 111-131): QESPPRSPRR[Met121Leu]SFSGIFRSSS